The following is an entry in ClinVar:

ClinVar aggregate classification (germline): Uncertain significance. Review status: criteria provided, multiple submitters, no conflicts (2 of 4 stars). 2 submissions from 2 submitters: Uncertain significance (2). Last evaluated 2025-01-15.

Submissions (2):

Labcorp Genetics (formerly Invitae), Labcorp
Classification: Uncertain significance. Last evaluated: 2025-01-15. Review status: criteria provided, single submitter. Criteria: Invitae Variant Classification Sherloc (09022015). Collection method: clinical testing. Allele origin: germline.
Comment: This sequence change replaces isoleucine, which is neutral and non-polar, with threonine, which is neutral and polar, at codon 3347 of the VCAN protein (p.Ile3347Thr). This variant is not present in population databases (gnomAD no frequency). This variant has not been reported in the literature in individuals affected with VCAN-related conditions. ClinVar contains an entry for this variant (Variation ID: 1957860). An algorithm developed to predict the effect of missense changes on protein structure and function (PolyPhen-2) suggests that this variant is likely to be tolerated. In summary, the available evidence is currently insufficient to determine the role of this variant in disease. Therefore, it has been classified as a Variant of Uncertain Significance.

Blueprint Genetics
Classification: Uncertain significance. Last evaluated: 2022-10-07. Review status: criteria provided, single submitter. Criteria: ACMG Guidelines, 2015. Collection method: clinical testing. Allele origin: germline.

NM_004385.5(VCAN):c.10040T>C (p.Ile3347Thr)

Gene: VCAN (versican; plus strand). Cytogenetic location: 5q14.3.
Variant type: single nucleotide variant.
Coding change: c.10040T>C on transcript NM_004385.5 (MANE Select); coding-DNA position 10040, T replaced by C.
Protein change: p.Ile3347Thr; replaces isoleucine 3347 with threonine.
Molecular consequence: missense variant.
Genome position (GRCh38, 1-based): chr5:83,580,139, T>C. VCF-style: chr5-83580139-T-C. GRCh37 (hg19) VCF-style: chr5-82875958-T-C.
Other names: c.1817T>C, p.Ile606Thr (NM_001126336.3); c.7079T>C, p.Ile2360Thr (NM_001164097.2); c.4778T>C, p.Ile1593Thr (NM_001164098.2); short protein forms I1593T, I2360T, I3347T, I606T.
Identifiers: ClinVar variation 1957860 (VCV001957860.6), dbSNP rs1748617013, ClinGen allele CA360301454.
Genomic context (GRCh38, chr5:83,580,139, plus strand): 5'-ATGGTTTCATTCAACGTCACCTTCCAACTATCCGGTGCTTAGGAAATGGAAGATGGGCTA[T>C]ACCTAAAATTACCTGCATGAACCGTAAGTGGTCCTTTAGAAAGAATGGACTACCGTGCTA-3'
Protein context (NP_004376.2, residues 3337-3357): IRCLGNGRWA[Ile3347Thr]PKITCMNPSA